The following is an entry in ClinVar:

ClinVar aggregate classification (germline): Pathogenic. Review status: criteria provided, multiple submitters, no conflicts (2 of 4 stars). 2 submissions from 2 submitters: Pathogenic (2). Last evaluated 2018-03-09.

Conditions:
Inborn genetic diseases. Identifiers: MedGen C0950123, MeSH D030342.

Submissions (2):

Ambry Genetics
Classification: Pathogenic for Inborn genetic diseases. Last evaluated: 2018-03-09. Review status: criteria provided, single submitter. Criteria: Ambry Variant Classification Scheme 2023. Collection method: clinical testing. Allele origin: germline.
Comment: The c.4760_4763delTGTT pathogenic mutation, located in coding exon 22 of the NIPBL gene, results from a deletion of 4 nucleotides at nucleotide positions 4760 to 4763, causing a translational frameshift with a predicted alternate stop codon (p.L1587*). This alteration is expected to result in loss of function by premature protein truncation or nonsense-mediated mRNA decay. As such, this alteration is interpreted as a disease-causing mutation.

Eurofins Ntd Llc (ga)
Classification: Pathogenic. Last evaluated: 2016-12-07. Review status: criteria provided, single submitter. Criteria: EGL Classification Definitions 2015. Collection method: clinical testing. Allele origin: germline. Observed: 1 variant allele, 1 heterozygote.

NM_133433.4(NIPBL):c.4760_4763del (p.Ser1586_Leu1587insTer)

Gene: NIPBL (NIPBL cohesin loading factor; plus strand). Cytogenetic location: 5p13.2.
Variant type: Deletion.
Coding change: c.4760_4763del on transcript NM_133433.4 (MANE Select); coding-DNA positions 4760 to 4763, 4 bases deleted (TGTT; older notation c.4760_4763delTGTT).
Protein change: p.Ser1586_Leu1587insTer.
Molecular consequence: nonsense.
Genome position (GRCh38, 1-based): chr5:37,016,154-37,016,157, TGTT deleted; deleting any 4 consecutive bases within chr5:37,016,151-37,016,157 gives the same sequence; the c. name uses the placement nearest the transcript's 3' end. VCF-style (leftmost placement, unchanged base first): chr5-37016150-AGTTT-A. GRCh37 (hg19) VCF-style: chr5-37016252-AGTTT-A.
Other names: c.4760_4763del, p.Ser1586_Leu1587insTer (NM_015384.5).
Identifiers: ClinVar variation 498247 (VCV000498247.7), dbSNP rs1554024009, ClinGen allele CA658796513.
Genomic context (GRCh38, chr5:37,016,150, plus strand): 5'-GTTCAAGACCTTCTTTCAACAGTCAATAAGCCTGAATGGCCAGCTGCTGAACTACTCCTT[AGTTT>A]GTTAGGGAGACTGTTGGTAAGAGTATAGCATTTAAAGATTATTAGATTACTAGAAGACAA-3'